The following is an entry in ClinVar:

ClinVar aggregate classification (germline): Uncertain significance. Review status: criteria provided, multiple submitters, no conflicts (2 of 4 stars). 2 submissions from 2 submitters: Uncertain significance (2). Last evaluated 2025-08-25.

Allele frequency attached by ClinVar (database versions not stated): gnomAD 0.00001; TOPMed 0.00002.
gnomAD v4.1: 10 of 1,613,494 alleles (0.00062%); highest among the groups gnomAD compares: African/African-American, 0.004%; no homozygotes.

Submissions (2):

Ambry Genetics
Classification: Uncertain significance. Last evaluated: 2025-08-25. Review status: criteria provided, single submitter. Criteria: Ambry Variant Classification Scheme 2023. Collection method: clinical testing. Allele origin: germline.

Labcorp Genetics (formerly Invitae), Labcorp
Classification: Uncertain significance. Last evaluated: 2023-12-22. Review status: criteria provided, single submitter. Criteria: Invitae Variant Classification Sherloc (09022015). Collection method: clinical testing. Allele origin: germline.
Comment: This sequence change replaces alanine, which is neutral and non-polar, with threonine, which is neutral and polar, at codon 53 of the COA5 protein (p.Ala53Thr). This variant is present in population databases (no rsID available, gnomAD 0.01%). This variant has not been reported in the literature in individuals affected with COA5-related conditions. An algorithm developed to predict the effect of missense changes on protein structure and function (PolyPhen-2) suggests that this variant is likely to be tolerated. In summary, the available evidence is currently insufficient to determine the role of this variant in disease. Therefore, it has been classified as a Variant of Uncertain Significance.

NM_001008215.3(COA5):c.157G>A (p.Ala53Thr)

Gene: COA5 (cytochrome c oxidase assembly factor 5; minus strand). Cytogenetic location: 2q11.2.
Variant type: single nucleotide variant.
Coding change: c.157G>A on transcript NM_001008215.3 (MANE Select); coding-DNA position 157, G replaced by A.
Protein change: p.Ala53Thr; replaces alanine 53 with threonine.
Molecular consequence: missense variant.
Genome position (GRCh38, 1-based): chr2:98,604,134, C>T on the plus strand (G>A on the coding strand, the complement: COA5 is on the minus strand). VCF-style: chr2-98604134-C-T. GRCh37 (hg19) VCF-style: chr2-99220597-C-T.
Other names: c.157G>A (NM_001008215.1); short protein forms A53T.
Identifiers: ClinVar variation 2758971 (VCV002758971.4), dbSNP rs387907099, ClinGen allele CA52670940.